The following is an entry in ClinVar:

ClinVar aggregate classification (germline): Uncertain significance (1 of 4 stars; one submission).

Conditions:
Immunodeficiency, common variable, 7. Identifiers: Orphanet 1572, Orphanet 696894, MedGen C3542922, MONDO:0013862, OMIM 614699.

Allele frequency attached by ClinVar (database versions not stated): gnomAD 0.00001; gnomAD exomes below 0.00001; TOPMed below 0.00001; ExAC 0.00001.
gnomAD v4.1: 6 of 1,613,922 alleles (0.00037%); highest among the groups gnomAD compares: African/African-American, 0.0013%; no homozygotes.

Submission:

Labcorp Genetics (formerly Invitae), Labcorp
Classification: Uncertain significance for Immunodeficiency, common variable, 7. Last evaluated: 2021-07-23. Review status: criteria provided, single submitter. Criteria: Invitae Variant Classification Sherloc (09022015). Collection method: clinical testing. Allele origin: germline.
Comment: Algorithms developed to predict the effect of sequence changes on RNA splicing suggest that this variant may create or strengthen a splice site, but this prediction has not been confirmed by published transcriptional studies. In summary, the available evidence is currently insufficient to determine the role of this variant in disease. Therefore, it has been classified as a Variant of Uncertain Significance. Algorithms developed to predict the effect of missense changes on protein structure and function output the following: SIFT: "Tolerated"; PolyPhen-2: "Benign"; Align-GVGD: "Class C0". The valine amino acid residue is found in multiple mammalian species, suggesting that this missense change does not adversely affect protein function. These predictions have not been confirmed by published functional studies and their clinical significance is uncertain. This variant has not been reported in the literature in individuals with CR2-related conditions. This variant is present in population databases (rs765531425, ExAC 0.001%). This sequence change replaces isoleucine with valine at codon 613 of the CR2 protein (p.Ile613Val). The isoleucine residue is moderately conserved and there is a small physicochemical difference between isoleucine and valine.

NM_001006658.3(CR2):c.1837A>G (p.Ile613Val)

Gene: CR2 (complement C3d receptor 2; plus strand). Cytogenetic location: 1q32.2.
Variant type: single nucleotide variant.
Coding change: c.1837A>G on transcript NM_001006658.3 (MANE Select); coding-DNA position 1837, A replaced by G.
Protein change: p.Ile613Val; replaces isoleucine 613 with valine.
Molecular consequence: missense variant.
Genome position (GRCh38, 1-based): chr1:207,473,038, A>G. VCF-style: chr1-207473038-A-G. GRCh37 (hg19) VCF-style: chr1-207646383-A-G.
Other names: c.1837A>G, p.Ile613Val (NM_001877.5); short protein forms I613V.
Identifiers: ClinVar variation 1060493 (VCV001060493.7), dbSNP rs765531425, ClinGen allele CA1368816.